The following is an entry in ClinVar:

ClinVar aggregate classification (germline): Likely pathogenic. Review status: criteria provided, multiple submitters, no conflicts (2 of 4 stars). 3 submissions from 3 submitters: Likely pathogenic (2). 1 of the submissions does not count toward it. Last evaluated 2023-03-15.

Conditions:
Muscular dystrophy, limb-girdle, autosomal dominant 4. Also called: Calpain-3-related limb-girdle muscular dystrophy D4; MUSCULAR DYSTROPHY, LIMB-GIRDLE, TYPE 1I. Identifiers: Orphanet 565909, MedGen C4748295, MONDO:0029133, OMIM 618129.
Autosomal recessive limb-girdle muscular dystrophy type 2A (LGMDR1). Also called: LEYDEN-MOEBIUS MUSCULAR DYSTROPHY; MUSCULAR DYSTROPHY, PELVOFEMORAL; Limb-girdle muscular dystrophy, type 2A; Calpainopathy; Muscular dystrophy, limb-girdle, type 2A, Amish. Identifiers: Orphanet 267, MedGen C1869123, MONDO:0009675, OMIM 253600. Disease mechanism: loss of function.

Submissions (3):

Baylor Genetics
Classification: Likely pathogenic for Muscular dystrophy, limb-girdle, autosomal dominant 4. Last evaluated: 2023-03-15. Review status: criteria provided, single submitter. Criteria: ACMG Guidelines, 2015. Collection method: clinical testing. Allele origin: unknown.

Labcorp Genetics (formerly Invitae), Labcorp
Classification: Likely pathogenic for Autosomal recessive limb-girdle muscular dystrophy type 2A. Last evaluated: 2018-05-30. Review status: criteria provided, single submitter. Criteria: Invitae Variant Classification Sherloc (09022015). Collection method: clinical testing. Allele origin: germline.
Comment: This variant is not present in population databases (ExAC no frequency). In summary, the currently available evidence indicates that the variant is pathogenic, but additional data are needed to prove that conclusively. Therefore, this variant has been classified as Likely Pathogenic. A different variant (c.985G>A) giving rise to the same protein effect observed here (p.Gly329Arg) has been reported in an individual affected with limb-girdle muscular dystrophy (PMID: 28915917, 16627476, Invitae), indicating that this residue may be critical for protein function. Algorithms developed to predict the effect of missense changes on protein structure and function are either unavailable or do not agree on the potential impact of this missense change (SIFT: "Deleterious"; PolyPhen-2: "Probably Damaging"; Align-GVGD: "Class C0"). This variant has not been reported in the literature in individuals with CAPN3-related disease. This sequence change replaces glycine with arginine at codon 329 of the CAPN3 protein (p.Gly329Arg). The glycine residue is highly conserved and there is a moderate physicochemical difference between glycine and arginine.

Counsyl
Classification: Uncertain significance for Autosomal recessive limb-girdle muscular dystrophy type 2A. Last evaluated: 2017-09-06. Review status: no assertion criteria provided. Collection method: clinical testing. Allele origin: unknown. Not counted in ClinVar's aggregate classification.

Literature cited by the submitters: PubMed 28915917 (cited by Labcorp Genetics (formerly Invitae), Labcorp); PubMed 16627476 (cited by Labcorp Genetics (formerly Invitae), Labcorp and Counsyl).

NM_000070.3(CAPN3):c.985G>C (p.Gly329Arg)

Gene: CAPN3 (calpain 3; plus strand). Cytogenetic location: 15q15.1.
Variant type: single nucleotide variant.
Coding change: c.985G>C on transcript NM_000070.3 (MANE Select); coding-DNA position 985, G replaced by C.
Protein change: p.Gly329Arg; replaces glycine 329 with arginine.
Molecular consequence: missense variant.
Genome position (GRCh38, 1-based): chr15:42,392,678, G>C. VCF-style: chr15-42392678-G-C. GRCh37 (hg19) VCF-style: chr15-42684876-G-C.
Other names: c.985G>C, p.Gly329Arg (NM_024344.2); c.841G>C, p.Gly281Arg (NM_173087.2); short protein forms G329R, G281R.
Identifiers: ClinVar variation 553758 (VCV000553758.12), dbSNP rs1085307995, ClinGen allele CA391998821.